The following is an entry in ClinVar:

ClinVar aggregate classification (germline): Likely benign (1 of 4 stars; one submission).

Conditions:
NCOA1-related disorder. Also called: NCOA1-related condition.

gnomAD v4.1: 10 of 1,614,202 alleles (0.00062%); highest among the groups gnomAD compares: Non-Finnish European, 0.00085%; no homozygotes.

Submission:

PreventionGenetics, part of Exact Sciences
Classification: Likely benign for NCOA1-related condition. Last evaluated: 2025-04-18. Review status: criteria provided, single submitter. Criteria: ACMG Guidelines, 2015. Collection method: clinical testing. Allele origin: germline.
Comment: This variant is classified as likely benign based on ACMG/AMP sequence variant interpretation guidelines (Richards et al. 2015 PMID: 25741868, with internal and published modifications).

NM_003743.5(NCOA1):c.2199A>C (p.Leu733=)

Gene: NCOA1 (nuclear receptor coactivator 1; plus strand). Cytogenetic location: 2p23.3.
Variant type: single nucleotide variant.
Coding change: c.2199A>C on transcript NM_003743.5 (MANE Select); coding-DNA position 2199, A replaced by C.
Protein change: p.Leu733=; no amino-acid change (leucine 733 retained).
Molecular consequence: synonymous variant.
Genome position (GRCh38, 1-based): chr2:24,707,669, A>C. VCF-style: chr2-24707669-A-C. GRCh37 (hg19) VCF-style: chr2-24930538-A-C.
Other names: c.2199A>C, p.Leu733= (NM_001362950.1, NM_001362952.1, NM_001362954.1 and 3 more transcripts).
Identifiers: ClinVar variation 4988526 (VCV004988526.1).